The following is an entry in ClinVar:

ClinVar aggregate classification (germline): Uncertain significance (1 of 4 stars; one submission).

Conditions:
Auriculocondylar syndrome 1 (ARCND1). Identifiers: Orphanet 137888, MedGen C4551996, MONDO:0011234, OMIM 602483.

Submission:

Illumina Laboratory Services, Illumina
Classification: Uncertain significance for Auriculocondylar syndrome 1. Last evaluated: 2020-05-28. Review status: criteria provided, single submitter. Criteria: ICSLVariantClassificationCriteria RUGD 01 April 2020. Collection method: clinical testing. Allele origin: unknown.
Comment: The GNAI3 c.303+1G>A variant occurs at a canonical splice site (donor) and is therefore predicted to disrupt or distort the normal gene product. A literature search was performed for the gene and cDNA change. No publications were found based on this search. This variant is not found in the Genome Aggregation Database in a region of good sequencing coverage, so the variant is presumed to be rare. Currently only missense variants have been associated with disease and loss-of-function has not been established as a mechanism of disease (Tavares et al. 2015). Based on the limited evidence, the c.303+1G>A variant is classified as a variant of uncertain significance for auriculocondylar syndrome.

Literature cited by the submitters: PubMed 25026904.

NM_006496.4(GNAI3):c.303+1G>A

Gene: GNAI3 (G protein subunit alpha i3; plus strand). Cytogenetic location: 1p13.3.
Variant type: single nucleotide variant.
Coding change: c.303+1G>A on transcript NM_006496.4 (MANE Select); the canonical splice donor site of the intron after coding-DNA position 303, G replaced by A.
Molecular consequence: splice donor variant.
Genome position (GRCh38, 1-based): chr1:109,574,038, G>A. VCF-style: chr1-109574038-G-A. GRCh37 (hg19) VCF-style: chr1-110116660-G-A.
Identifiers: ClinVar variation 989287 (VCV000989287.4), dbSNP rs1648676750, ClinGen allele CA341539069.